The following is an entry in ClinVar:

ClinVar aggregate classification (germline): Pathogenic (1 of 4 stars; one submission).

Submission:

Labcorp Genetics (formerly Invitae), Labcorp
Classification: Pathogenic. Last evaluated: 2024-06-26. Review status: criteria provided, single submitter. Criteria: Invitae Variant Classification Sherloc (09022015). Collection method: clinical testing. Allele origin: germline.
Comment: This sequence change creates a premature translational stop signal (p.His1156Glnfs*39) in the SETBP1 gene. It is expected to result in an absent or disrupted protein product. Loss-of-function variants in SETBP1 are known to be pathogenic (PMID: 21037274, 25217958). This variant is not present in population databases (gnomAD no frequency). This variant has not been reported in the literature in individuals affected with SETBP1-related conditions. For these reasons, this variant has been classified as Pathogenic.

Literature cited by the submitters: PubMed 21037274; PubMed 25217958.

NM_015559.3(SETBP1):c.3464_3465insACAGCAAGAGGGGAACCATCTACATTGGCAAGAAGCGGGGCAGGAAGCCAAGAGCAGAGCTGCCACCCCCATCCGAAGAACCCAAAACAGCCATCAAGCACCCCAGGCCTGTTTCTAGCCAGCCGGATGTTCCAGCCGTGCCTTCCAACTTTCAGTCACTTGTGGCGTCTTCACCAGCAGCTATGCACCCACTTTCAACACGCATAAGCACAAGGATAAGCGCAACACGCAACAA (p.Lys1155_His1156insGlnGlnGluGlyAsnHisLeuHisTrpGlnGluAlaGlyGlnGluAlaLysSerArgAlaAlaThrProIleArgArgThrGlnAsnSerHisGlnAlaProGlnAlaCysPheTer)

Gene: SETBP1 (SET binding protein 1; plus strand). Cytogenetic location: 18q12.3.
Variant type: Insertion.
Coding change: c.3464_3465insACAGCAAGAGGGGAACCATCTACATTGGCAAGAAGCGGGGCAGGAAGCCAAGAGCAGAGCTGCCACCCCCATCCGAAGAACCCAAAACAGCCATCAAGCACCCCAGGCCTGTTTCTAGCCAGCCGGATGTTCCAGCCGTGCCTTCCAACTTTCAGTCACTTGTGGCGTCTTCACCAGCAGCTATGCACCCACTTTCAACACGCATAAGCACAAGGATAAGCGCAACACGCAACAA on transcript NM_015559.3 (MANE Select); coding-DNA positions 3464 to 3465, ACAGCAAGAGGGGAACCATCTACATTGGCAAGAAGCGGGGCAGGAAGCCAAGAGCAGAGCTGCCACCCCCATCCGAAGAACCCAAAACAGCCATCAAGCACCCCAGGCCTGTTTCTAGCCAGCCGGATGTTCCAGCCGTGCCTTCCAACTTTCAGTCACTTGTGGCGTCTTCACCAGCAGCTATGCACCCACTTTCAACACGCATAAGCACAAGGATAAGCGCAACACGCAACAA inserted.
Protein change: p.Lys1155_His1156insGlnGlnGluGlyAsnHisLeuHisTrpGlnGluAlaGlyGlnGluAlaLysSerArgAlaAlaThrProIleArgArgThrGlnAsnSerHisGlnAlaProGlnAlaCysPheTer.
Molecular consequence: nonsense.
Genome position: GRCh38: chr18:44,952,804-44,952,805. GRCh37 (hg19): chr18:42,532,769-42,532,770.
Other names: c.3464_3465insACAGCAAGAGGGGAACCATCTACATTGGCAAGAAGCGGGGCAGGAAGCCAAGAGCAGAGCTGCCACCCCCATCCGAAGAACCCAAAACAGCCATCAAGCACCCCAGGCCTGTTTCTAGCCAGCCGGATGTTCCAGCCGTGCCTTCCAACTTTCAGTCACTTGTGGCGTCTTCACCAGCAGCTATGCACCCACTTTCAACACGCATAAGCACAAGGATAAGCGCAACACGCAACAA, p.Lys1155_His1156insGlnGlnGluGlyAsnHisLeuHisTrpGlnGluAlaGlyGlnGluAlaLysSerArgAlaAlaThrProIleArgArgThrGlnAsnSerHisGlnAlaProGlnAlaCysPheTer (NM_001379141.1, NM_001379142.1, NM_001410862.1).
Identifiers: ClinVar variation 3657974 (VCV003657974.2).